The following is an entry in ClinVar:

NM_001127198.5(TMC6):c.512G>A (p.Ser171Asn)

Gene: TMC6 (transmembrane channel like 6; minus strand). Cytogenetic location: 17q25.3.
Variant type: single nucleotide variant.
Coding change: c.512G>A on transcript NM_001127198.5 (MANE Select); coding-DNA position 512, G replaced by A.
Protein change: p.Ser171Asn; replaces serine 171 with asparagine.
Molecular consequence: missense variant.
Genome position (GRCh38, 1-based): chr17:78,125,182, C>T on the plus strand (G>A on the coding strand, the complement: TMC6 is on the minus strand). VCF-style: chr17-78125182-C-T. GRCh37 (hg19) VCF-style: chr17-76121263-C-T.
Other names: c.512G>A, p.Ser171Asn (NM_001321185.1, NM_001374593.1, NM_001374594.1 and 4 more transcripts); c.512G>A (NM_007267.6); short protein forms S171N.
Identifiers: ClinVar variation 939995 (VCV000939995.7), dbSNP rs775043003, ClinGen allele CA8796107.

ClinVar aggregate classification (germline): Uncertain significance. Review status: criteria provided, multiple submitters, no conflicts (2 of 4 stars). 2 submissions from 2 submitters: Uncertain significance (2). Last evaluated 2025-11-03.

Conditions:
Inborn genetic diseases. Identifiers: MedGen C0950123, MeSH D030342.
Epidermodysplasia verruciformis. Identifiers: Orphanet 302, MedGen C0014522, MONDO:0009176.

Allele frequency attached by ClinVar (database versions not stated): gnomAD 0.00001 and 0.00002; gnomAD exomes 0.00001 and 0.00006; TOPMed 0.00004; ExAC 0.00007; 1000 Genomes Project 30x 0.00016.

Submissions (2):

Labcorp Genetics (formerly Invitae), Labcorp
Classification: Uncertain significance for Epidermodysplasia verruciformis. Last evaluated: 2025-11-03. Review status: criteria provided, single submitter. Criteria: Invitae Variant Classification Sherloc (09022015). Collection method: clinical testing. Allele origin: germline.
Comment: This sequence change replaces serine, which is neutral and polar, with asparagine, which is neutral and polar, at codon 171 of the TMC6 protein (p.Ser171Asn). This variant is present in population databases (rs775043003, gnomAD 0.08%). This variant has not been reported in the literature in individuals affected with TMC6-related conditions. ClinVar contains an entry for this variant (Variation ID: 939995). An algorithm developed to predict the effect of missense changes on protein structure and function outputs the following: PolyPhen-2: "Benign". The asparagine amino acid residue is found in multiple mammalian species, which suggests that this missense change does not adversely affect protein function. In summary, the available evidence is currently insufficient to determine the role of this variant in disease. Therefore, it has been classified as a Variant of Uncertain Significance.

Ambry Genetics
Classification: Uncertain significance for Inborn genetic diseases. Last evaluated: 2023-12-17. Review status: criteria provided, single submitter. Criteria: Ambry Variant Classification Scheme 2023. Collection method: clinical testing. Allele origin: germline.